The following is an entry in ClinVar:

ClinVar aggregate classification (germline): Pathogenic (1 of 4 stars; one submission).

Submission:

GeneDx
Classification: Pathogenic. Last evaluated: 2019-03-08. Review status: criteria provided, single submitter. Criteria: GeneDx Variant Classification (06012015). Collection method: clinical testing. Allele origin: germline. Affected: yes.
Comment: The c.5552_5556delACTCC variant in the ANKRD11 gene has not been reported previously as a pathogenic variant nor as a benign variant, to our knowledge. The c.5552_5556delACTCC variant causes a frameshift starting with codon Tyrosine 1851, changes this amino acid to a Serine residue, and creates a premature Stop codon at position 97 of the new reading frame, denoted p.Tyr1851SerfsX97. This variant is predicted to cause loss of normal protein function either through protein truncation or nonsense-mediated mRNA decay. The c.5552_5556delACTCC variant is not observed in large population cohorts (Lek et al., 2016). We interpret c.5552_5556delACTCC as a pathogenic variant.

NM_013275.6(ANKRD11):c.5552_5556del (p.Tyr1851fs)

Gene: ANKRD11 (ankyrin repeat domain containing 11; minus strand). Cytogenetic location: 16q24.3.
Variant type: Deletion.
Coding change: c.5552_5556del on transcript NM_013275.6 (MANE Select); coding-DNA positions 5552 to 5556, 5 bases deleted (ACTCC; older notation c.5552_5556delACTCC).
Protein change: p.Tyr1851fs; shifts the reading frame from tyrosine 1851.
Molecular consequence: frameshift variant.
Genome position (GRCh38, 1-based): chr16:89,280,986-89,280,990, GGAGT deleted on the plus strand (ACTCC on the coding strand, the reverse complement: ANKRD11 is on the minus strand). VCF-style (leftmost placement, unchanged base first): chr16-89280985-GGGAGT-G. GRCh37 (hg19) VCF-style: chr16-89347393-GGGAGT-G.
Other names: c.5552_5556del, p.Tyr1851fs (NM_001256182.2, NM_001256183.2); short protein forms Y1851fs.
Identifiers: ClinVar variation 817470 (VCV000817470.1), dbSNP rs1597445368, ClinGen allele CA915949414.